The following is an entry in ClinVar:

ClinVar aggregate classification (germline): Uncertain significance (1 of 4 stars; one submission).

Conditions:
Inborn genetic diseases. Identifiers: MedGen C0950123, MeSH D030342.

gnomAD v4.1: 2 of 1,614,064 alleles (0.00012%); highest among the groups gnomAD compares: Non-Finnish European, 0.00017%; no homozygotes.

Submission:

Ambry Genetics
Classification: Uncertain significance for Inborn genetic diseases. Last evaluated: 2025-11-26. Review status: criteria provided, single submitter. Criteria: Ambry Variant Classification Scheme 2023. Collection method: clinical testing. Allele origin: germline.
Comment: The p.Y56H variant (also known as c.166T>C), located in coding exon 2 of the ERCC6L2 gene, results from a T to C substitution at nucleotide position 166. The tyrosine at codon 56 is replaced by histidine, an amino acid with similar properties. This amino acid position is conserved. In addition, this alteration is predicted to be tolerated by in silico analysis. Based on the available evidence, the clinical significance of this variant remains unclear.

NM_020207.7(ERCC6L2):c.166T>C (p.Tyr56His)

Gene: ERCC6L2 (ERCC excision repair 6 like 2; plus strand). Cytogenetic location: 9q22.32.
Variant type: single nucleotide variant.
Coding change: c.166T>C on transcript NM_020207.7 (MANE Select); coding-DNA position 166, T replaced by C.
Protein change: p.Tyr56His; replaces tyrosine 56 with histidine.
Molecular consequence: missense variant. On other transcripts: non-coding transcript variant (1).
Genome position (GRCh38, 1-based): chr9:95,880,988, T>C. VCF-style: chr9-95880988-T-C. GRCh37 (hg19) VCF-style: chr9-98643270-T-C.
Other names: c.166T>C, p.Tyr56His (NM_001010895.4, NM_001375291.1, NM_001375292.1 and 2 more transcripts); short protein forms Y56H.
Identifiers: ClinVar variation 4618770 (VCV004618770.1).